The following is an entry in ClinVar:

ClinVar aggregate classification (germline): Uncertain significance (1 of 4 stars; one submission).

Allele frequency attached by ClinVar (database versions not stated): gnomAD 0.00001; TOPMed 0.00002; gnomAD exomes 0.00001.
gnomAD v4.1: 9 of 1,614,036 alleles (0.00056%); highest among the groups gnomAD compares: African/African-American, 0.011%; no homozygotes.

Submission:

Ambry Genetics
Classification: Uncertain significance. Last evaluated: 2026-07-02. Review status: criteria provided, single submitter. Criteria: Ambry Variant Classification Scheme 2023. Collection method: clinical testing. Allele origin: germline.
Comment: The c.5410G>T (p.V1804L) alteration is located in exon 6 (coding exon 5) of the ALPK2 gene. This alteration results from a G to T substitution at nucleotide position 5410, causing the valine (V) at amino acid position 1804 to be replaced by a leucine (L). Based on data from gnomAD, the T allele has an overall frequency of <0.001% (1/251120) total alleles studied. The highest observed frequency was 0.006% (1/16256) of African alleles. Based on insufficient or conflicting evidence, the clinical significance of this alteration remains unclear.

NM_052947.4(ALPK2):c.5410G>T (p.Val1804Leu)

Gene: ALPK2 (alpha kinase 2; minus strand). Cytogenetic location: 18q21.31.
Variant type: single nucleotide variant.
Coding change: c.5410G>T on transcript NM_052947.4 (MANE Select); coding-DNA position 5410, G replaced by T.
Protein change: p.Val1804Leu; replaces valine 1804 with leucine.
Molecular consequence: missense variant.
Genome position (GRCh38, 1-based): chr18:58,529,182, C>A on the plus strand (G>T on the coding strand, the complement: ALPK2 is on the minus strand). VCF-style: chr18-58529182-C-A. GRCh37 (hg19) VCF-style: chr18-56196414-C-A.
Other names: short protein forms V1804L.
Identifiers: ClinVar variation 1747380 (VCV001747380.3), dbSNP rs1382425155, ClinGen allele CA402554119.